The following is an entry in ClinVar:

ClinVar aggregate classification (germline): Pathogenic/Likely pathogenic. Review status: criteria provided, multiple submitters, no conflicts (2 of 4 stars). 8 submissions from 7 submitters: Pathogenic (5); Likely pathogenic (1). 2 of the submissions do not count toward it. Last evaluated 2025-09-11.

Conditions:
CNGB3-related disorder. Also called: CNGB3-related condition; CNGB3-related disorders. Identifiers: MedGen CN239340.
Achromatopsia. Also called: Rod monochromatism. Identifiers: Orphanet 49382, MedGen C0152200, MONDO:0018852, HP:0011516.
Achromatopsia 3 (ACHM3). Also called: PINGELAPESE BLINDNESS; TOTAL COLORBLINDNESS WITH MYOPIA; ROD MONOCHROMACY 1; ROD MONOCHROMATISM 1; ACHROMATOPSIA WITH MYOPIA. Identifiers: Orphanet 49382, MedGen C1849792, MONDO:0009875, OMIM 262300.

Allele frequency attached by ClinVar (database versions not stated): gnomAD exomes below 0.00001.
gnomAD v4.1: 1 of 1,603,876 alleles (0.000062%); highest among the groups gnomAD compares: Non-Finnish European, 0.000085%; no homozygotes.

Submissions (8):

PreventionGenetics, part of Exact Sciences
Classification: Likely pathogenic for CNGB3-related condition. Last evaluated: 2025-09-11. Review status: criteria provided, single submitter. Criteria: ACMG Guidelines, 2015. Collection method: clinical testing. Allele origin: germline.
Comment: The CNGB3 c.1579-1G>A variant is predicted to disrupt the AG splice acceptor site and interfere with normal splicing. This variant is predicted to disrupt splicing of an in-frame exon and create a cryptic splice site that would be predicted to be out-of-frame (SpliceAI, Jaganathan et al. 2019. PubMed ID: 30661751; Alamut Visual v1.6.1). However, the use of computer prediction programs for cryptic splice sites is not equivalent to functional evidence. This variant has been reported in the compound heterozygous state or with a second causative CNGB3 variant in two individuals with achromatopsia (Wawrocka et al. 2014. PubMed ID: 25558176; Table S2, Weisschuh et al. 2020. PubMed ID: 32531858). This variant has not been reported in a large population database (gnomAD), indicating this variant is rare. Variants that disrupt the consensus splice acceptor site in CNGB3 are expected to be pathogenic. This variant is interpreted as likely pathogenic.

Natera, Inc.
Classification: Pathogenic for Achromatopsia. Last evaluated: 2024-11-27. Review status: criteria provided, single submitter. Criteria: Natera Variant Classification Schema (03/2026). Collection method: clinical testing. Allele origin: germline.
Comment: The c.1579-1G>A variant in CNGB3 is a canonical splice acceptor site variant predicted to affect pre-mRNA splicing, which may result in an abnormal transcript and altered protein product. This variant may result in a truncated or dysfunctional protein product. This variant is rare in the general population with a frequency below the threshold expected for the associated phenotype(s). This variant has been observed in one or more individuals affected with the associated recessive disease, as either homozygous or compound heterozygous with a second variant (PMID: 25558176, 32531858). Another variant at this same site results in an alteration predicted to cause a similar molecular effect has been observed in individual(s) with the associated phenotype. Given the available evidence, this variant is classified as Pathogenic.

Fulgent Genetics
Classification: Pathogenic for Achromatopsia 3. Last evaluated: 2021-08-20. Review status: criteria provided, single submitter. Criteria: ACMG Guidelines, 2015. Collection method: clinical testing. Allele origin: unknown.

Molecular Genetics Laboratory, Institute for Ophthalmic Research
Classification: Pathogenic for Achromatopsia. Last evaluated: 2020-01-09. Review status: criteria provided, single submitter. Criteria: ACMG Guidelines, 2015. Collection method: research. Allele origin: germline. Affected: yes.

Labcorp Genetics (formerly Invitae), Labcorp
Classification: Pathogenic. Last evaluated: 2019-09-03. Review status: criteria provided, single submitter. Criteria: Invitae Variant Classification Sherloc (09022015). Collection method: clinical testing. Allele origin: germline.
Comment: For these reasons, this variant has been classified as Pathogenic. Donor and acceptor splice site variants typically lead to a loss of protein function (PMID: 16199547), and loss-of-function variants in CNGB3 are known to be pathogenic (PMID: 28795510). Algorithms developed to predict the effect of sequence changes on RNA splicing suggest that this variant may disrupt the consensus splice site, but this prediction has not been confirmed by published transcriptional studies. This variant has been observed in individual(s) with achromatopsia (PMID: 25558176, 28795510). In at least one individual the data is consistent with the variant being in trans (on the opposite chromosome) from a pathogenic variant. ClinVar contains an entry for this variant (Variation ID: 370459). This variant is not present in population databases (ExAC no frequency). This sequence change affects an acceptor splice site in intron 13 of the CNGB3 gene. It is expected to disrupt RNA splicing and likely results in an absent or disrupted protein product.

CeGaT Center for Human Genetics Tuebingen
Classification: Pathogenic. Last evaluated: 2018-12-01. Review status: criteria provided, single submitter. Criteria: CeGaT Center For Human Genetics Tuebingen Variant Classification Criteria Version 2. Collection method: clinical testing. Allele origin: germline. Affected: yes. Observed: 1 variant allele.

Molecular Genetics Laboratory, Institute for Ophthalmic Research
Classification: Pathogenic for ACHM3. Last evaluated: 2017-03-27. Review status: no assertion criteria provided. Collection method: research. Allele origin: unknown. Affected: yes. Not counted in ClinVar's aggregate classification.

Counsyl
Classification: Likely pathogenic for Achromatopsia 3. Last evaluated: 2016-02-12. Review status: no assertion criteria provided. Collection method: clinical testing. Allele origin: unknown. Not counted in ClinVar's aggregate classification.

Literature cited by the submitters: PubMed 25558176 (cited by 3 submitters); PubMed 32531858 (cited by Natera, Inc.); PubMed 16199547 (cited by Labcorp Genetics (formerly Invitae), Labcorp); PubMed 28795510 (cited by Labcorp Genetics (formerly Invitae), Labcorp and Molecular Genetics Laboratory, Institute for Ophthalmic Research).

NM_019098.5(CNGB3):c.1579-1G>A

Gene: CNGB3 (cyclic nucleotide gated channel subunit beta 3; minus strand). Cytogenetic location: 8q21.3.
Variant type: single nucleotide variant.
Coding change: c.1579-1G>A on transcript NM_019098.5 (MANE Select); the canonical splice acceptor site of the intron before coding-DNA position 1579, G replaced by A.
Molecular consequence: splice acceptor variant.
Genome position (GRCh38, 1-based): chr8:86,611,672, C>T on the plus strand (G>A on the coding strand, the complement: CNGB3 is on the minus strand). VCF-style: chr8-86611672-C-T. GRCh37 (hg19) VCF-style: chr8-87623900-C-T.
Identifiers: ClinVar variation 370459 (VCV000370459.54), dbSNP rs1057516504, ClinGen allele CA16041190.